The following is an entry in ClinVar:

NM_001378902.1(ROS1):c.6967C>G (p.Pro2323Ala)

Gene: ROS1 (ROS proto-oncogene 1, receptor tyrosine kinase; minus strand). Cytogenetic location: 6q22.1.
Variant type: single nucleotide variant.
Coding change: c.6967C>G on transcript NM_001378902.1 (MANE Select); coding-DNA position 6967, C replaced by G.
Protein change: p.Pro2323Ala; replaces proline 2323 with alanine.
Molecular consequence: missense variant.
Genome position (GRCh38, 1-based): chr6:117,288,551, G>C on the plus strand (C>G on the coding strand, the complement: ROS1 is on the minus strand). VCF-style: chr6-117288551-G-C. GRCh37 (hg19) VCF-style: chr6-117609714-G-C.
Other names: c.6973C>G, p.Pro2325Ala (NM_001378891.1); c.6985C>G, p.Pro2329Ala (NM_002944.3); short protein forms P2323A, P2325A, P2329A.
Identifiers: ClinVar variation 3043741 (VCV003043741.3), dbSNP rs143434059, ClinGen allele CA3973879.
Genomic context (GRCh38, chr6:117,288,551, plus strand): 5'-ATTAATCAGACCCATCTCCATATCCACTGTGAGTGAGACAGGCATAGTTCAGGCCTTCAG[G>C]CTTGCCAGAAGGGCAGTAAGCCACTTGTTTTTCTTGGCAGAAATCTTTGTCTGCATGTGG-3'
Protein context (NP_001365831.1, residues 2313-2333): KQVAYCPSGK[Pro2323Ala]EGLNYACLTH

ClinVar aggregate classification (germline): Uncertain significance. Review status: criteria provided, single submitter (1 of 4 stars). 2 submissions from 2 submitters: Uncertain significance (1). 1 of the submissions does not count toward it. Last evaluated 2025-08-26.

Conditions:
ROS1-related disorder. Also called: ROS1-related condition.

Allele frequency attached by ClinVar (database versions not stated): 1000 Genomes Project 30x 0.00031; ExAC 0.00033; 1000 Genomes Project 0.00040; TOPMed 0.00103; ESP Exome Variant Server 0.00115.
gnomAD v4.1: 405 of 1,614,134 alleles (0.025%); highest among the groups gnomAD compares: African/African-American, 0.27%; 1 homozygote.

Submissions (2):

Ambry Genetics
Classification: Uncertain significance. Last evaluated: 2025-08-26. Review status: criteria provided, single submitter. Criteria: Ambry Variant Classification Scheme 2023. Collection method: clinical testing. Allele origin: germline.

PreventionGenetics, part of Exact Sciences
Classification: Likely benign for ROS1-related condition. Last evaluated: 2022-09-08. Review status: no assertion criteria provided. Collection method: clinical testing. Allele origin: germline. Not counted in ClinVar's aggregate classification.
Comment: This variant is classified as likely benign based on ACMG/AMP sequence variant interpretation guidelines (Richards et al. 2015 PMID: 25741868, with internal and published modifications).